The following is an entry in ClinVar:

NM_133497.4(KCNV2):c.39C>A (p.Tyr13Ter)

Gene: KCNV2 (potassium voltage-gated channel modifier subfamily V member 2; plus strand). Cytogenetic location: 9p24.2.
Variant type: single nucleotide variant.
Coding change: c.39C>A on transcript NM_133497.4 (MANE Select); coding-DNA position 39, C replaced by A.
Protein change: p.Tyr13Ter; replaces tyrosine 13 with a stop codon.
Molecular consequence: nonsense.
Genome position (GRCh38, 1-based): chr9:2,717,778, C>A. VCF-style: chr9-2717778-C-A. GRCh37 (hg19) VCF-style: chr9-2717778-C-A.
Other names: short protein forms Y13*.
Identifiers: ClinVar variation 4813465 (VCV004813465.1).
Genomic context (GRCh38, chr9:2,717,778, plus strand): 5'-TAGGCGTCCACTTTCCGCAGCCATGCTCAAACAGAGTGAGAGGAGACGGTCCTGGAGCTA[C>A]AGGCCCTGGAACACGACGGAGAATGAGGGCAGCCAACACCGCAGGAGCATTTGCTCCCTG-3'

ClinVar aggregate classification (germline): Likely pathogenic (1 of 4 stars; one submission).

Conditions:
Cone dystrophy with supernormal rod response (CDSRR). Also called: CONE DYSTROPHY WITH SUPERNORMAL ROD RESPONSES. Identifiers: Orphanet 209932, MedGen C1835897, MONDO:0012475, OMIM 610356.

Submission:

MVZ Praenatalmedizin und Genetik Nuernberg
Classification: Likely pathogenic for Cone dystrophy with supernormal rod response. Last evaluated: 2025-03-13. Review status: criteria provided, single submitter. Criteria: ACMG Guidelines, 2015. Collection method: clinical testing. Allele origin: germline.
Comment: This variant does not occur in the population-based database gnomADv4. It leads to a premature stop codon and thus presumably to the premature truncation of the encoded protein. The variant itself is not listed in ClinVar, but the alternative substitution c.39C>G, which leads to the same consequence at the amino acid level (p.(Tyr13*)), has been recorded once in ClinVar as pathogenic. Overall, a large number of truncating changes for KCNV2 are listed as (probably) pathogenic in ClinVar, making loss of function a typical pathomechanism. In summary, based on the current data, we assess this to be a probably pathogenic variant.